The following is an entry in ClinVar:

ClinVar aggregate classification (germline): Likely benign. Review status: criteria provided, multiple submitters, no conflicts (2 of 4 stars). 3 submissions from 3 submitters: Likely benign (2). 1 of the submissions does not count toward it. Last evaluated 2025-11-13.

Conditions:
FLI1-related disorder. Also called: FLI1-related condition.

Allele frequency attached by ClinVar (database versions not stated): ESP Exome Variant Server 0.00008; TOPMed 0.00015; 1000 Genomes Project 30x 0.00016; gnomAD 0.00017; 1000 Genomes Project 0.00020; gnomAD exomes 0.00027; ExAC 0.00037.
gnomAD v4.1: 414 of 1,614,032 alleles (0.026%); highest among the groups gnomAD compares: South Asian, 0.2%; no homozygotes.

Submissions (3):

Labcorp Genetics (formerly Invitae), Labcorp
Classification: Likely benign. Last evaluated: 2025-11-13. Review status: criteria provided, single submitter. Criteria: Invitae Variant Classification Sherloc (09022015). Collection method: clinical testing. Allele origin: germline.

Blueprint Genetics
Classification: Likely benign. Last evaluated: 2024-10-29. Review status: criteria provided, single submitter. Criteria: ACMG Guidelines, 2015. Collection method: clinical testing. Allele origin: germline.

PreventionGenetics, part of Exact Sciences
Classification: Likely benign for FLI1-related condition. Last evaluated: 2019-04-30. Review status: no assertion criteria provided. Collection method: clinical testing. Allele origin: germline. Not counted in ClinVar's aggregate classification.
Comment: This variant is classified as likely benign based on ACMG/AMP sequence variant interpretation guidelines (Richards et al. 2015 PMID: 25741868, with internal and published modifications).

NM_002017.5(FLI1):c.531C>T (p.Arg177=)

Gene: FLI1 (Fli-1 proto-oncogene, ETS transcription factor; plus strand). Cytogenetic location: 11q24.3.
Variant type: single nucleotide variant.
Coding change: c.531C>T on transcript NM_002017.5 (MANE Select); coding-DNA position 531, C replaced by T.
Protein change: p.Arg177=; no amino-acid change (arginine 177 retained).
Molecular consequence: synonymous variant. On other transcripts: intron variant (1).
Genome position (GRCh38, 1-based): chr11:128,772,927, C>T. VCF-style: chr11-128772927-C-T. GRCh37 (hg19) VCF-style: chr11-128642822-C-T.
Other names: c.432C>T, p.Arg144= (NM_001167681.3); c.333C>T, p.Arg111= (NM_001271010.2); c.11-9031C>T (NM_001271012.2); c.531C>T (NM_002017.4).
Identifiers: ClinVar variation 2168804 (VCV002168804.7), dbSNP rs367910414, ClinGen allele CA6357146.